The following is an entry in ClinVar:

NM_013386.5(SLC25A24):c.1338C>T (p.Gly446=)

Gene: SLC25A24 (solute carrier family 25 member 24; minus strand). Cytogenetic location: 1p13.3.
Variant type: single nucleotide variant.
Coding change: c.1338C>T on transcript NM_013386.5 (MANE Select); coding-DNA position 1338, C replaced by T.
Protein change: p.Gly446=; no amino-acid change (glycine 446 retained).
Molecular consequence: synonymous variant.
Genome position (GRCh38, 1-based): chr1:108,136,749, G>A on the plus strand (C>T on the coding strand, the complement: SLC25A24 is on the minus strand). VCF-style: chr1-108136749-G-A. GRCh37 (hg19) VCF-style: chr1-108679371-G-A.
Other names: c.1281C>T, p.Gly427= (NM_213651.3).
Identifiers: ClinVar variation 4739398 (VCV004739398.1).
Genomic context (GRCh38, chr1:108,136,749, plus strand): 5'-TTCATAAACCACATAACTGATGCCTACAGCAGGGAGCACCTTCATGAAGTTTGGGGTGAT[G>A]CCTCTGTAAAGTCCTGGTATTCCTTCTTTGGAAATAATTCGTCGAAAGAGGCCAACCATA-3'
Protein context (NP_037518.3, residues 436-456): SKEGIPGLYR[Gly446=]ITPNFMKVLP

ClinVar aggregate classification (germline): Uncertain significance (1 of 4 stars; one submission).

gnomAD v4.1: 11 of 1,613,840 alleles (0.00068%); highest among the groups gnomAD compares: East Asian, 0.0022%; no homozygotes.

Submission:

Labcorp Genetics (formerly Invitae), Labcorp
Classification: Uncertain significance. Last evaluated: 2025-04-18. Review status: criteria provided, single submitter. Criteria: Invitae Variant Classification Sherloc (09022015). Collection method: clinical testing. Allele origin: germline.
Comment: This sequence change affects codon 446 of the SLC25A24 mRNA. It is a 'silent' change, meaning that it does not change the encoded amino acid sequence of the SLC25A24 protein. This variant is present in population databases (rs769210704, gnomAD 0.007%). This variant has not been reported in the literature in individuals affected with SLC25A24-related conditions. Algorithms developed to predict the effect of sequence changes on RNA splicing suggest that this variant may create or strengthen a splice site. In summary, the available evidence is currently insufficient to determine the role of this variant in disease. Therefore, it has been classified as a Variant of Uncertain Significance.